The following is an entry in ClinVar:

NM_152641.4(ARID2):c.4640_4659del (p.Ala1547fs)

Gene: ARID2 (AT-rich interaction domain 2; plus strand). Cytogenetic location: 12q12.
Variant type: Deletion.
Coding change: c.4640_4659del on transcript NM_152641.4 (MANE Select); coding-DNA positions 4640 to 4659, 20 bases deleted (CTGGCTGCAGCGCAACAATG).
Protein change: p.Ala1547fs; shifts the reading frame from alanine 1547.
Molecular consequence: frameshift variant.
Genome position (GRCh38, 1-based): chr12:45,852,763-45,852,782, CTGGCTGCAGCGCAACAATG deleted; deleting any 20 consecutive bases within chr12:45,852,755-45,852,782 gives the same sequence; the c. name uses the placement nearest the transcript's 3' end. VCF-style (leftmost placement, unchanged base first): chr12-45852754-CCAACAATGCTGGCTGCAGCG-C. GRCh37 (hg19) VCF-style: chr12-46246537-CCAACAATGCTGGCTGCAGCG-C.
Other names: c.4640_4659del, p.Ala1547fs (NM_001347839.2); short protein forms A1547fs.
Identifiers: ClinVar variation 931731 (VCV000931731.3), dbSNP rs1943579551, ClinGen allele CA1139662607.

ClinVar aggregate classification (germline): Pathogenic (1 of 4 stars; one submission).

Conditions:
Coffin-Siris syndrome 6. Identifiers: MedGen C4540499, MONDO:0033492, OMIM 617808.

Submission:

Centre for Mendelian Genomics, University Medical Centre Ljubljana
Classification: Pathogenic for Coffin-Siris syndrome 6. Last evaluated: 2020-03-31. Review status: criteria provided, single submitter. Criteria: ACMG Guidelines, 2015. Collection method: clinical testing. Allele origin: unknown. Affected: yes.
Comment: This variant was classified as: Pathogenic. The following ACMG criteria were applied in classifying this variant: PVS1,PS2-MOD,PM2.